The following is an entry in ClinVar:

ClinVar aggregate classification (germline): Uncertain significance (1 of 4 stars; one submission).

gnomAD v4.1: 2 of 1,613,300 alleles (0.00012%); highest among the groups gnomAD compares: Non-Finnish European, 0.00017%; no homozygotes.

Submission:

GeneDx
Classification: Uncertain significance. Last evaluated: 2024-12-26. Review status: criteria provided, single submitter. Criteria: GeneDx Variant Classification Process June 2021. Collection method: clinical testing. Allele origin: germline. Affected: yes.
Comment: Not observed at significant frequency in large population cohorts (gnomAD); In silico analysis indicates that this missense variant does not alter protein structure/function; Has not been previously published as pathogenic or benign to our knowledge

NM_152722.5(HEPACAM):c.514A>G (p.Asn172Asp)

Gene: HEPACAM (hepatic and glial cell adhesion molecule; minus strand). Cytogenetic location: 11q24.2.
Variant type: single nucleotide variant.
Coding change: c.514A>G on transcript NM_152722.5 (MANE Select); coding-DNA position 514, A replaced by G.
Protein change: p.Asn172Asp; replaces asparagine 172 with aspartic acid.
Molecular consequence: missense variant.
Genome position (GRCh38, 1-based): chr11:124,923,924, T>C on the plus strand (A>G on the coding strand, the complement: HEPACAM is on the minus strand). VCF-style: chr11-124923924-T-C. GRCh37 (hg19) VCF-style: chr11-124793820-T-C.
Other names: c.514A>G, p.Asn172Asp (NM_001411043.1); short protein forms N172D.
Identifiers: ClinVar variation 3907985 (VCV003907985.1).